The following is an entry in ClinVar:

NM_000368.5(TSC1):c.2441T>C (p.Leu814Pro)

Gene: TSC1 (TSC complex subunit 1; minus strand). Cytogenetic location: 9q34.13.
Variant type: single nucleotide variant.
Coding change: c.2441T>C on transcript NM_000368.5 (MANE Select); coding-DNA position 2441, T replaced by C.
Protein change: p.Leu814Pro; replaces leucine 814 with proline.
Molecular consequence: missense variant. On other transcripts: non-coding transcript variant (5).
Genome position (GRCh38, 1-based): chr9:132,901,650, A>G on the plus strand (T>C on the coding strand, the complement: TSC1 is on the minus strand). VCF-style: chr9-132901650-A-G. GRCh37 (hg19) VCF-style: chr9-135777037-A-G.
Other names: c.2438T>C, p.Leu813Pro (NM_001162426.2, NM_001406597.1, NM_001406598.1 and 4 more transcripts); c.2288T>C, p.Leu763Pro (NM_001162427.2, NM_001406610.1); c.2078T>C, p.Leu693Pro (NM_001362177.2, NM_001406624.1, NM_001406614.1 and 5 more transcripts); c.2441T>C, p.Leu814Pro (NM_001406592.1, NM_001406593.1, NM_001406594.1 and 5 more transcripts); c.2426T>C, p.Leu809Pro (NM_001406601.1, NM_001406602.1); c.2423T>C, p.Leu808Pro (NM_001406603.1, NM_001406604.1); c.2075T>C, p.Leu692Pro (NM_001406621.1, NM_001406622.1, NM_001406623.1 and 2 more transcripts); c.1490T>C, p.Leu497Pro (NM_001406626.1); and 3 more; short protein forms L496P, L808P, L809P, L497P, L762P, L814P, L693P, L813P.
Identifiers: ClinVar variation 3646925 (VCV003646925.3).
Genomic context (GRCh38, chr9:132,901,650, plus strand): 5'-TTTTGGGAAACCTGACTGAGCAGCAGCTCAGTGTGACACACCTTGTTGTTGGCCTTCTTC[A>G]GTTCTATCCGCAGCTCCGCAATCATGTTCCTGCAGTCCTCCAGCTTCGTCTGCCCAAAGA-3'
Protein context (NP_000359.1, residues 804-824): RNMIAELRIE[Leu814Pro]KKANNKVCHT

ClinVar aggregate classification (germline): Uncertain significance. Review status: criteria provided, multiple submitters, no conflicts (2 of 4 stars). 2 submissions from 2 submitters: Uncertain significance (2). Last evaluated 2025-06-13.

Conditions:
Hereditary cancer-predisposing syndrome. Also called: Hereditary neoplastic syndrome; Hereditary Cancer Syndrome; Neoplastic Syndromes, Hereditary; Tumor predisposition. Identifiers: Orphanet 140162, MedGen C0027672, MeSH D009386, MONDO:0015356.
Tuberous sclerosis 1 (TSC1). Identifiers: Orphanet 805, MedGen C1854465, MONDO:0008612, OMIM 191100.

Submissions (2):

Ambry Genetics
Classification: Uncertain significance for Hereditary cancer-predisposing syndrome. Last evaluated: 2025-06-13. Review status: criteria provided, single submitter. Criteria: Ambry Variant Classification Scheme 2023. Collection method: clinical testing. Allele origin: germline.
Comment: The p.L814P variant (also known as c.2441T>C), located in coding exon 17 of the TSC1 gene, results from a T to C substitution at nucleotide position 2441. The leucine at codon 814 is replaced by proline, an amino acid with similar properties. This amino acid position is conserved. In addition, this alteration is predicted to be deleterious by in silico analysis. Based on the available evidence, the clinical significance of this variant remains unclear.

Labcorp Genetics (formerly Invitae), Labcorp
Classification: Uncertain significance for Tuberous sclerosis 1. Last evaluated: 2024-03-20. Review status: criteria provided, single submitter. Criteria: Invitae Variant Classification Sherloc (09022015). Collection method: clinical testing. Allele origin: germline.
Comment: This sequence change replaces leucine, which is neutral and non-polar, with proline, which is neutral and non-polar, at codon 814 of the TSC1 protein (p.Leu814Pro). This variant is not present in population databases (gnomAD no frequency). This variant has not been reported in the literature in individuals affected with TSC1-related conditions. Advanced modeling of protein sequence and biophysical properties (such as structural, functional, and spatial information, amino acid conservation, physicochemical variation, residue mobility, and thermodynamic stability) has been performed at Invitae for this missense variant, however the output from this modeling did not meet the statistical confidence thresholds required to predict the impact of this variant on TSC1 protein function. In summary, the available evidence is currently insufficient to determine the role of this variant in disease. Therefore, it has been classified as a Variant of Uncertain Significance.